The following is an entry in ClinVar:

NM_025114.4(CEP290):c.5860G>A (p.Asp1954Asn)

Gene: CEP290 (centrosomal protein 290; minus strand). Cytogenetic location: 12q21.32.
Variant type: single nucleotide variant.
Coding change: c.5860G>A on transcript NM_025114.4 (MANE Select); coding-DNA position 5860, G replaced by A.
Protein change: p.Asp1954Asn; replaces aspartic acid 1954 with asparagine.
Molecular consequence: missense variant.
Genome position (GRCh38, 1-based): chr12:88,071,445, C>T on the plus strand (G>A on the coding strand, the complement: CEP290 is on the minus strand). VCF-style: chr12-88071445-C-T. GRCh37 (hg19) VCF-style: chr12-88465222-C-T.
Other names: short protein forms D1954N.
Identifiers: ClinVar variation 4983731 (VCV004983731.1).

ClinVar aggregate classification (germline): Uncertain significance (1 of 4 stars; one submission).

Conditions:
CEP290-related disorder. Also called: CEP290-related condition; CEP290-related disorders. Identifiers: MedGen CN239314.

gnomAD v4.1: 12 of 1,602,768 alleles (0.00075%); highest among the groups gnomAD compares: Admixed American, 0.0017%; no homozygotes.

Submission:

PreventionGenetics, part of Exact Sciences
Classification: Uncertain significance for CEP290-related condition. Last evaluated: 2025-12-03. Review status: criteria provided, single submitter. Criteria: ACMG Guidelines, 2015. Collection method: clinical testing. Allele origin: germline.
Comment: The CEP290 c.5860G>A variant is predicted to result in the amino acid substitution p.Asp1954Asn. To our knowledge, this variant has not been reported in the literature. This variant is reported in 0.0065% of alleles in individuals of African descent in gnomAD. At this time, the clinical significance of this variant is uncertain due to the absence of conclusive functional and genetic evidence.